The following is an entry in ClinVar:

ClinVar aggregate classification (germline): Uncertain significance. Review status: criteria provided, multiple submitters, no conflicts (2 of 4 stars). 3 submissions from 3 submitters: Uncertain significance (3). Last evaluated 2023-12-04.

Conditions:
BAP1-related tumor predisposition syndrome (TPDS1). Also called: Tumor susceptibility linked to germline BAP1 mutations; BAP1 tumor predisposition syndrome; TUMOR PREDISPOSITION SYNDROME 1; COMMON Syndrome. Identifiers: Orphanet 289539, MedGen C3280492, MONDO:0013692, OMIM 614327.
Hereditary cancer-predisposing syndrome. Also called: Neoplastic Syndromes, Hereditary; Tumor predisposition; Hereditary neoplastic syndrome; Hereditary Cancer Syndrome. Identifiers: Orphanet 140162, MedGen C0027672, MeSH D009386, MONDO:0015356.

Submissions (3):

Color Diagnostics, LLC DBA Color Health
Classification: Uncertain significance for Hereditary cancer-predisposing syndrome. Last evaluated: 2023-12-04. Review status: criteria provided, single submitter. Criteria: ACMG Guidelines, 2015. Collection method: clinical testing. Allele origin: germline.
Comment: This missense variant replaces alanine with threonine at codon 323 of the BAP1 protein. Computational prediction suggests that this variant may not impact protein structure and function (internally defined REVEL score threshold <= 0.5, PMID: 27666373). To our knowledge, functional studies have not been reported for this variant. This variant has not been reported in individuals affected with BAP1-related disorders in the literature. This variant has not been identified in the general population by the Genome Aggregation Database (gnomAD). The available evidence is insufficient to determine the role of this variant in disease conclusively. Therefore, this variant is classified as a Variant of Uncertain Significance.

Ambry Genetics
Classification: Uncertain significance for Hereditary cancer-predisposing syndrome. Last evaluated: 2022-10-07. Review status: criteria provided, single submitter. Criteria: Ambry Variant Classification Scheme 2023. Collection method: clinical testing. Allele origin: germline.
Comment: The p.A323T variant (also known as c.967G>A), located in coding exon 11 of the BAP1 gene, results from a G to A substitution at nucleotide position 967. The alanine at codon 323 is replaced by threonine, an amino acid with similar properties. This amino acid position is conserved. In addition, this alteration is predicted to be tolerated by in silico analysis. Since supporting evidence is limited at this time, the clinical significance of this alteration remains unclear.

Labcorp Genetics (formerly Invitae), Labcorp
Classification: Uncertain significance for BAP1-related tumor predisposition syndrome. Last evaluated: 2021-02-15. Review status: criteria provided, single submitter. Criteria: Invitae Variant Classification Sherloc (09022015). Collection method: clinical testing. Allele origin: germline.
Comment: Algorithms developed to predict the effect of missense changes on protein structure and function output the following: SIFT: "Tolerated"; PolyPhen-2: "Benign"; Align-GVGD: "Class C0". The threonine amino acid residue is found in multiple mammalian species, suggesting that this missense change does not adversely affect protein function. These predictions have not been confirmed by published functional studies and their clinical significance is uncertain. This variant has not been reported in the literature in individuals with BAP1-related conditions. ClinVar contains an entry for this variant (Variation ID: 629725). This variant is not present in population databases (ExAC no frequency). This sequence change replaces alanine with threonine at codon 323 of the BAP1 protein (p.Ala323Thr). The alanine residue is weakly conserved and there is a small physicochemical difference between alanine and threonine. In summary, the available evidence is currently insufficient to determine the role of this variant in disease. Therefore, it has been classified as a Variant of Uncertain Significance.

NM_004656.4(BAP1):c.967G>A (p.Ala323Thr)

Gene: BAP1 (BRCA1 associated deubiquitinase 1; minus strand). Cytogenetic location: 3p21.1.
Variant type: single nucleotide variant.
Coding change: c.967G>A on transcript NM_004656.4 (MANE Select); coding-DNA position 967, G replaced by A.
Protein change: p.Ala323Thr; replaces alanine 323 with threonine.
Molecular consequence: missense variant.
Genome position (GRCh38, 1-based): chr3:52,405,259, C>T on the plus strand (G>A on the coding strand, the complement: BAP1 is on the minus strand). VCF-style: chr3-52405259-C-T. GRCh37 (hg19) VCF-style: chr3-52439275-C-T.
Other names: short protein forms A323T.
Identifiers: ClinVar variation 629725 (VCV000629725.15), dbSNP rs1559588616, ClinGen allele CA353106195.
Genomic context (GRCh38, chr3:52,405,259, plus strand): 5'-GGCTGCTGCCTGGAGGCTTCACCACTAGCTTGGGTTTGTTGGGAGGGCTGTGGGATGGGG[C>T]TTGTGCGCATGAACCAGCCGCCTCCTCTGCACCATCTGAGACAGGGCAAGAACACAGGCA-3'
Protein context (NP_004647.1, residues 313-333): AEEAAGSCAQ[Ala323Thr]PSHSPPNKPK